The following is an entry in ClinVar:

NM_004036.5(ADCY3):c.601C>T (p.His201Tyr)

Gene: ADCY3 (adenylate cyclase 3; minus strand). Cytogenetic location: 2p23.3.
Variant type: single nucleotide variant.
Coding change: c.601C>T on transcript NM_004036.5 (MANE Select); coding-DNA position 601, C replaced by T.
Protein change: p.His201Tyr; replaces histidine 201 with tyrosine.
Molecular consequence: missense variant.
Genome position (GRCh38, 1-based): chr2:24,918,387, G>A on the plus strand (C>T on the coding strand, the complement: ADCY3 is on the minus strand). VCF-style: chr2-24918387-G-A. GRCh37 (hg19) VCF-style: chr2-25141256-G-A.
Other names: c.601C>T, p.His201Tyr (NM_001320613.2, NM_001377128.1, NM_001377129.1 and 2 more transcripts); short protein forms H201Y.
Identifiers: ClinVar variation 3346118 (VCV003346118.1).

ClinVar aggregate classification (germline): Uncertain significance (0 of 4 stars; one submission).

Conditions:
ADCY3-related disorder. Also called: ADCY3-related condition.

gnomAD v4.1: 6 of 1,613,224 alleles (0.00037%); highest among the groups gnomAD compares: Non-Finnish European, 0.00051%; no homozygotes.

Submission:

PreventionGenetics, part of Exact Sciences
Classification: Uncertain significance for ADCY3-related condition. Last evaluated: 2024-05-09. Review status: no assertion criteria provided. Collection method: clinical testing. Allele origin: germline.
Comment: The ADCY3 c.601C>T variant is predicted to result in the amino acid substitution p.His201Tyr. To our knowledge, this variant has not been reported in the literature or in a large population database, indicating this variant is rare. At this time, the clinical significance of this variant is uncertain due to the absence of conclusive functional and genetic evidence.